The following is an entry in ClinVar:

NM_001330700.2(TOP2B):c.4852G>C (p.Asp1618His)

Gene: TOP2B (DNA topoisomerase II beta; minus strand). Cytogenetic location: 3p24.2.
Variant type: single nucleotide variant.
Coding change: c.4852G>C on transcript NM_001330700.2 (MANE Select); coding-DNA position 4852, G replaced by C.
Protein change: p.Asp1618His; replaces aspartic acid 1618 with histidine.
Molecular consequence: missense variant.
Genome position (GRCh38, 1-based): chr3:25,598,336, C>G on the plus strand (G>C on the coding strand, the complement: TOP2B is on the minus strand). VCF-style: chr3-25598336-C-G. GRCh37 (hg19) VCF-style: chr3-25639827-C-G.
Other names: D1613H; c.4837G>C, p.Asp1613His (NM_001068.3); short protein forms D1618H.
Identifiers: ClinVar variation 2444006 (VCV002444006.4), dbSNP rs764335718, ClinGen allele CA2287956.

ClinVar aggregate classification (germline): Uncertain significance. Review status: criteria provided, single submitter (1 of 4 stars). 2 submissions from 2 submitters: Uncertain significance (1). 1 of the submissions does not count toward it. Last evaluated 2025-07-22.

Allele frequency attached by ClinVar (database versions not stated): ExAC 0.00009; TOPMed 0.00011; gnomAD 0.00005.

Submissions (2):

Labcorp Genetics (formerly Invitae), Labcorp
Classification: Uncertain significance. Last evaluated: 2025-07-22. Review status: criteria provided, single submitter. Criteria: Invitae Variant Classification Sherloc (09022015). Collection method: clinical testing. Allele origin: germline.
Comment: This sequence change replaces aspartic acid, which is acidic and polar, with histidine, which is basic and polar, at codon 1613 of the TOP2B protein (p.Asp1613His). This variant is present in population databases (rs764335718, gnomAD 0.07%). This variant has not been reported in the literature in individuals affected with TOP2B-related conditions. ClinVar contains an entry for this variant (Variation ID: 2444006). An algorithm developed to predict the effect of missense changes on protein structure and function (PolyPhen-2) suggests that this variant is likely to be tolerated. In summary, the available evidence is currently insufficient to determine the role of this variant in disease. Therefore, it has been classified as a Variant of Uncertain Significance.

OMIM
Classification: Uncertain significance for VARIANT OF UNKNOWN SIGNIFICANCE. Last evaluated: 2023-03-14. Review status: no assertion criteria provided. Collection method: literature only. Allele origin: germline. Not counted in ClinVar's aggregate classification.

Literature cited by the submitters: PubMed 31198993 (cited by OMIM); Hamosh, A. Personal Communication. 2023. Baltimore, Md. (cited by OMIM).